The following is an entry in ClinVar:

NM_015375.3(DSTYK):c.2251C>A (p.Leu751Met)

Gene: DSTYK (dual serine/threonine and tyrosine protein kinase; minus strand). Cytogenetic location: 1q32.1.
Variant type: single nucleotide variant.
Coding change: c.2251C>A on transcript NM_015375.3 (MANE Select); coding-DNA position 2251, C replaced by A.
Protein change: p.Leu751Met; replaces leucine 751 with methionine.
Molecular consequence: missense variant.
Genome position (GRCh38, 1-based): chr1:205,157,374, G>T on the plus strand (C>A on the coding strand, the complement: DSTYK is on the minus strand). VCF-style: chr1-205157374-G-T. GRCh37 (hg19) VCF-style: chr1-205126502-G-T.
Other names: c.2251C>A, p.Leu751Met (NM_199462.3); short protein forms L751M.
Identifiers: ClinVar variation 4695505 (VCV004695505.1).

ClinVar aggregate classification (germline): Uncertain significance (1 of 4 stars; one submission).

gnomAD v4.1: 3 of 1,613,962 alleles (0.00019%); highest among the groups gnomAD compares: Admixed American, 0.005%; no homozygotes.

Submission:

Labcorp Genetics (formerly Invitae), Labcorp
Classification: Uncertain significance. Last evaluated: 2025-09-30. Review status: criteria provided, single submitter. Criteria: Invitae Variant Classification Sherloc (09022015). Collection method: clinical testing. Allele origin: germline.
Comment: This sequence change replaces leucine, which is neutral and non-polar, with methionine, which is neutral and non-polar, at codon 751 of the DSTYK protein (p.Leu751Met). This variant is present in population databases (no rsID available, gnomAD 0.003%). This variant has not been reported in the literature in individuals affected with DSTYK-related conditions. An algorithm developed to predict the effect of missense changes on protein structure and function (PolyPhen-2) suggests that this variant is likely to be disruptive. In summary, the available evidence is currently insufficient to determine the role of this variant in disease. Therefore, it has been classified as a Variant of Uncertain Significance.